The following is an entry in ClinVar:

NM_005732.4(RAD50):c.1539C>G (p.Asp513Glu)

Gene: RAD50 (RAD50 double strand break repair protein; plus strand). Cytogenetic location: 5q31.1.
Variant type: single nucleotide variant.
Coding change: c.1539C>G on transcript NM_005732.4 (MANE Select); coding-DNA position 1539, C replaced by G.
Protein change: p.Asp513Glu; replaces aspartic acid 513 with glutamic acid.
Molecular consequence: missense variant.
Genome position (GRCh38, 1-based): chr5:132,591,310, C>G. VCF-style: chr5-132591310-C-G. GRCh37 (hg19) VCF-style: chr5-131927002-C-G.
Other names: short protein forms D513E.
Identifiers: ClinVar variation 1718143 (VCV001718143.6), dbSNP rs1392566161, ClinGen allele CA360945786.

ClinVar aggregate classification (germline): Uncertain significance (1 of 4 stars; one submission).

Conditions:
Hereditary cancer-predisposing syndrome. Also called: Hereditary neoplastic syndrome; Neoplastic Syndromes, Hereditary; Hereditary Cancer Syndrome; Tumor predisposition. Identifiers: Orphanet 140162, MedGen C0027672, MeSH D009386, MONDO:0015356.

Submission:

Labcorp Genetics (formerly Invitae), Labcorp
Classification: Uncertain significance for Hereditary cancer-predisposing syndrome. Last evaluated: 2022-08-27. Review status: criteria provided, single submitter. Criteria: Invitae Variant Classification Sherloc (09022015). Collection method: clinical testing. Allele origin: germline.
Comment: In summary, the available evidence is currently insufficient to determine the role of this variant in disease. Therefore, it has been classified as a Variant of Uncertain Significance. Algorithms developed to predict the effect of missense changes on protein structure and function (SIFT, PolyPhen-2, Align-GVGD) all suggest that this variant is likely to be tolerated. This variant has not been reported in the literature in individuals affected with RAD50-related conditions. This variant is not present in population databases (gnomAD no frequency). This sequence change replaces aspartic acid, which is acidic and polar, with glutamic acid, which is acidic and polar, at codon 513 of the RAD50 protein (p.Asp513Glu).